The following is an entry in ClinVar:

NM_152564.5(VPS13B):c.4549C>T (p.Arg1517Cys)

Gene: VPS13B (vacuolar protein sorting 13 homolog B; plus strand). Cytogenetic location: 8q22.2.
Variant type: single nucleotide variant.
Coding change: c.4549C>T on transcript NM_152564.5 (MANE Select); coding-DNA position 4549, C replaced by T.
Protein change: p.Arg1517Cys; replaces arginine 1517 with cysteine.
Molecular consequence: missense variant.
Genome position (GRCh38, 1-based): chr8:99,511,428, C>T. VCF-style: chr8-99511428-C-T. GRCh37 (hg19) VCF-style: chr8-100523656-C-T.
Other names: c.4549C>T (NM_152564.4); c.4624C>T, p.Arg1542Cys (NM_017890.5); c.4624C>T (NM_017890.3); short protein forms R1542C, R1517C.
Identifiers: ClinVar variation 849324 (VCV000849324.8), dbSNP rs375652507, ClinGen allele CA4823551.

ClinVar aggregate classification (germline): Uncertain significance. Review status: criteria provided, multiple submitters, no conflicts (2 of 4 stars). 5 submissions from 5 submitters: Uncertain significance (3). 2 of the submissions do not count toward it. Last evaluated 2025-09-04.

Conditions:
Inborn genetic diseases. Identifiers: MedGen C0950123, MeSH D030342.
Cohen syndrome (COH1). Also called: PEPPER SYNDROME; Cutis verticis gyrata, retinitis pigmentosa, and sensorineural deafness. Identifiers: Orphanet 193, MedGen C0265223, MONDO:0008999, OMIM 216550.
VPS13B-related disorder. Also called: VPS13B-related condition.

Allele frequency attached by ClinVar (database versions not stated): ESP Exome Variant Server 0.00008; gnomAD exomes 0.00008; TOPMed 0.00009; gnomAD 0.00011 and 0.00012; ExAC 0.00013.
gnomAD v4.1: 119 of 1,613,166 alleles (0.0074%); highest among the groups gnomAD compares: Non-Finnish European, 0.0091%; no homozygotes.

Submissions (5):

Ambry Genetics
Classification: Uncertain significance for Inborn genetic diseases. Last evaluated: 2025-09-04. Review status: criteria provided, single submitter. Criteria: Ambry Variant Classification Scheme 2023. Collection method: clinical testing. Allele origin: germline.

Blueprint Genetics
Classification: Uncertain significance. Last evaluated: 2024-05-15. Review status: criteria provided, single submitter. Criteria: ACMG Guidelines, 2015. Collection method: clinical testing. Allele origin: germline.

Labcorp Genetics (formerly Invitae), Labcorp
Classification: Uncertain significance for Cohen syndrome. Last evaluated: 2022-08-23. Review status: criteria provided, single submitter. Criteria: Invitae Variant Classification Sherloc (09022015). Collection method: clinical testing. Allele origin: germline.
Comment: This sequence change replaces arginine, which is basic and polar, with cysteine, which is neutral and slightly polar, at codon 1542 of the VPS13B protein (p.Arg1542Cys). This variant is present in population databases (rs375652507, gnomAD 0.01%). This variant has not been reported in the literature in individuals affected with VPS13B-related conditions. ClinVar contains an entry for this variant (Variation ID: 849324). Algorithms developed to predict the effect of missense changes on protein structure and function are either unavailable or do not agree on the potential impact of this missense change (SIFT: "Not Available"; PolyPhen-2: "Probably Damaging"; Align-GVGD: "Not Available"). In summary, the available evidence is currently insufficient to determine the role of this variant in disease. Therefore, it has been classified as a Variant of Uncertain Significance.

PreventionGenetics, part of Exact Sciences
Classification: Uncertain significance for VPS13B-related condition. Last evaluated: 2024-05-07. Review status: no assertion criteria provided. Collection method: clinical testing. Allele origin: germline. Not counted in ClinVar's aggregate classification.
Comment: The VPS13B c.4549C>T variant is predicted to result in the amino acid substitution p.Arg1517Cys. To our knowledge, this variant has not been reported in the literature. This variant is reported in 0.014% of alleles in individuals of European (Finnish) descent in gnomAD. At this time, the clinical significance of this variant is uncertain due to the absence of conclusive functional and genetic evidence.

Natera, Inc.
Classification: Uncertain significance for Cohen syndrome. Last evaluated: 2020-04-16. Review status: no assertion criteria provided. Collection method: clinical testing. Allele origin: germline. Not counted in ClinVar's aggregate classification.